The following is an entry in ClinVar:

ClinVar aggregate classification (germline): Pathogenic/Likely pathogenic. Review status: criteria provided, multiple submitters, no conflicts (2 of 4 stars). 4 submissions from 4 submitters: Pathogenic (2); Likely pathogenic (2). Last evaluated 2022-10-01.

Conditions:
Ullrich congenital muscular dystrophy 1A. Also called: Ullrich congenital muscular dystrophy 1; Intermediate COL6-RD. Identifiers: Orphanet 75840, MedGen C0410179, MONDO:0009681, OMIM 254090.
Bethlem myopathy 1A. Also called: MYOPATHY, BENIGN CONGENITAL, WITH CONTRACTURES; Bethlem myopathy 1; Bethlem Muscular Dystrophy. Identifiers: Orphanet 610, MedGen CN029274, MONDO:0024530, OMIM 158810.

Allele frequency attached by ClinVar (database versions not stated): TOPMed below 0.00001; ExAC 0.00001; gnomAD 0.00001.
gnomAD v4.1: 7 of 1,613,948 alleles (0.00043%); highest among the groups gnomAD compares: African/African-American, 0.0013%; no homozygotes.

Submissions (4):

CeGaT Center for Human Genetics Tuebingen
Classification: Pathogenic. Last evaluated: 2022-10-01. Review status: criteria provided, single submitter. Criteria: CeGaT Center For Human Genetics Tuebingen Variant Classification Criteria Version 2. Collection method: clinical testing. Allele origin: germline. Affected: yes. Observed: 1 variant allele.
Comment: COL6A3: PVS1, PM2, PM3:Supporting

MGZ Medical Genetics Center
Classification: Likely pathogenic for Bethlem myopathy 1A. Last evaluated: 2022-08-19. Review status: criteria provided, single submitter. Criteria: ACMG Guidelines, 2015. Collection method: clinical testing. Allele origin: germline. Affected: yes. Observed: 1 variant allele.
Comment: ACMG criteria applied: PVS1, PM2_SUP

Labcorp Genetics (formerly Invitae), Labcorp
Classification: Pathogenic for Bethlem myopathy 1A. Last evaluated: 2022-06-26. Review status: criteria provided, single submitter. Criteria: Invitae Variant Classification Sherloc (09022015). Collection method: clinical testing. Allele origin: germline.
Comment: ClinVar contains an entry for this variant (Variation ID: 635081). For these reasons, this variant has been classified as Pathogenic. This premature translational stop signal has been observed in individual(s) with clinical features of COL6A3-related conditions (PMID: 32528171). This variant is present in population databases (rs771941724, gnomAD 0.007%). This sequence change creates a premature translational stop signal (p.Arg1984*) in the COL6A3 gene. It is expected to result in an absent or disrupted protein product. Loss-of-function variants in COL6A3 are known to be pathogenic (PMID: 26004199).

Broad Center for Mendelian Genomics, Broad Institute of MIT and Harvard
Classification: Likely pathogenic for Ullrich congenital muscular dystrophy 1A. Last evaluated: 2018-06-15. Review status: criteria provided, single submitter. Criteria: ACMG Guidelines, 2015. Collection method: research. Allele origin: germline. Inheritance: Autosomal recessive inheritance. Affected: yes.
Comment: This variant was absent from large population studies, and computational prediction tools suggest that this variant may impact the protein. Loss of function of the SNX14 gene is an established disease mechanism in autosomal recessive Spinocerebellar Ataxia, and this is a loss of function variant. In summary, although additional studies are required to fully establish its pathogenicity, this variant is likely pathogenic.

Literature cited by the submitters: PubMed 32528171 (cited by Labcorp Genetics (formerly Invitae), Labcorp); PubMed 26004199 (cited by Labcorp Genetics (formerly Invitae), Labcorp).

NM_004369.4(COL6A3):c.5950C>T (p.Arg1984Ter)

Gene: COL6A3 (collagen type VI alpha 3 chain; minus strand). Cytogenetic location: 2q37.3.
Variant type: single nucleotide variant.
Coding change: c.5950C>T on transcript NM_004369.4 (MANE Select); coding-DNA position 5950, C replaced by T.
Protein change: p.Arg1984Ter; replaces arginine 1984 with a stop codon.
Molecular consequence: nonsense.
Genome position (GRCh38, 1-based): chr2:237,363,366, G>A on the plus strand (C>T on the coding strand, the complement: COL6A3 is on the minus strand). VCF-style: chr2-237363366-G-A. GRCh37 (hg19) VCF-style: chr2-238272009-G-A.
Other names: c.4129C>T, p.Arg1377Ter (NM_057166.5); c.5332C>T, p.Arg1778Ter (NM_057167.4); short protein forms R1984*, R1778*, R1377*.
Identifiers: ClinVar variation 635081 (VCV000635081.36), dbSNP rs771941724, ClinGen allele CA2188514.